The following is an entry in ClinVar:

ClinVar aggregate classification (germline): Benign/Likely benign. Review status: criteria provided, multiple submitters, no conflicts (2 of 4 stars). 6 submissions from 6 submitters: Benign (1); Likely benign (5). Last evaluated 2025-12-09.

Conditions:
Familial thoracic aortic aneurysm and aortic dissection (TAAD). Also called: Thoracic aortic aneurysms and dissections. Identifiers: Orphanet 91387, MedGen C4707243, MONDO:0019625.
Hereditary cancer-predisposing syndrome. Also called: Neoplastic Syndromes, Hereditary; Hereditary neoplastic syndrome; Tumor predisposition; Hereditary Cancer Syndrome. Identifiers: Orphanet 140162, MedGen C0027672, MeSH D009386, MONDO:0015356.
Juvenile polyposis syndrome (JPS). Identifiers: Orphanet 2929, MedGen C0345893, MONDO:0017380, OMIM 174900.
Juvenile polyposis/hereditary hemorrhagic telangiectasia syndrome (JPHT). Also called: POLYPOSIS, GENERALIZED JUVENILE, WITH PULMONARY ARTERIOVENOUS MALFORMATION; TELANGIECTASIA, HEREDITARY HEMORRHAGIC, WITH JUVENILE POLYPOSIS COLI; Juvenile Polyposis Syndrome / Hereditary Hemorrhagic Telangiectasia (JPS/HHT); JP/HHT SYNDROME; JUVENILE POLYPOSIS WITH HEREDITARY HEMORRHAGIC TELANGIECTASIA. Identifiers: Orphanet 2929, MedGen C1832942, MONDO:0008278, OMIM 175050.

Allele frequency attached by ClinVar (database versions not stated): TOPMed below 0.00001; gnomAD 0.00001.
gnomAD v4.1: 1 of 1,614,018 alleles (0.000062%); highest among the groups gnomAD compares: Non-Finnish European, 0.000085%; no homozygotes.

Submissions (6):

Labcorp Genetics (formerly Invitae), Labcorp
Classification: Likely benign for Juvenile polyposis syndrome. Last evaluated: 2025-12-09. Review status: criteria provided, single submitter. Criteria: Invitae Variant Classification Sherloc (09022015). Collection method: clinical testing. Allele origin: germline.

Myriad Genetics, Inc.
Classification: Benign for Juvenile polyposis/hereditary hemorrhagic telangiectasia syndrome. Last evaluated: 2025-03-19. Review status: criteria provided, single submitter. Criteria: Myriad Autosomal Dominant, Autosomal Recessive and X-Linked Classification Criteria (2023). Collection method: clinical testing. Allele origin: unknown.
Comment: This variant is considered benign. This variant is a silent/synonymous amino acid change and it is not expected to impact splicing.

Center for Genomic Medicine, Rigshospitalet, Copenhagen University Hospital
Classification: Likely benign. Last evaluated: 2025-03-04. Review status: criteria provided, single submitter. Criteria: ACMG Guidelines, 2015. Collection method: clinical testing. Allele origin: germline.

All of Us Research Program, National Institutes of Health
Classification: Likely benign for Juvenile polyposis/hereditary hemorrhagic telangiectasia syndrome. Last evaluated: 2024-04-16. Review status: criteria provided, single submitter. Criteria: ACMG Guidelines, 2015. Collection method: clinical testing. Allele origin: germline. Inheritance: Autosomal dominant inheritance. Observed: 1 variant allele, 1 heterozygote.
Comment: This study involves interpretation of variants in research participants for the purpose of population health screening. Participant phenotype was not available at the time of variant classification. Additional details can be found in publication PMID: 35346344, PMCID: PMC8962531

Ambry Genetics
Classification: Likely benign for Hereditary cancer-predisposing syndrome; Familial thoracic aortic aneurysm and aortic dissection. Last evaluated: 2022-10-12. Review status: criteria provided, single submitter. Criteria: Ambry Variant Classification Scheme 2023. Collection method: clinical testing. Allele origin: germline.

Women's Health and Genetics/Laboratory Corporation of America, LabCorp
Classification: Likely benign. Last evaluated: 2020-01-09. Review status: criteria provided, single submitter. Criteria: LabCorp Variant Classification Summary - May 2015. Collection method: clinical testing. Allele origin: germline.

NM_005359.6(SMAD4):c.672G>A (p.Gln224=)

Gene: SMAD4 (SMAD family member 4; plus strand). Cytogenetic location: 18q21.2.
Variant type: single nucleotide variant.
Coding change: c.672G>A on transcript NM_005359.6 (MANE Select); coding-DNA position 672, G replaced by A.
Protein change: p.Gln224=; no amino-acid change (glutamine 224 retained).
Molecular consequence: synonymous variant.
Genome position (GRCh38, 1-based): chr18:51,058,129, G>A. VCF-style: chr18-51058129-G-A. GRCh37 (hg19) VCF-style: chr18-48584499-G-A.
Identifiers: ClinVar variation 917643 (VCV000917643.20), dbSNP rs1397172791, ClinGen allele CA503993788.